The following is an entry in ClinVar:

NM_000179.3(MSH6):c.3556+3G>T

Gene: MSH6 (mutS homolog 6; plus strand). Cytogenetic location: 2p16.3.
Variant type: single nucleotide variant.
Coding change: c.3556+3G>T on transcript NM_000179.3 (MANE Select); 3 bases into the intron after coding-DNA position 3556, G replaced by T.
Molecular consequence: intron variant.
Genome position (GRCh38, 1-based): chr2:47,805,030, G>T. VCF-style: chr2-47805030-G-T. GRCh37 (hg19) VCF-style: chr2-48032169-G-T.
Other names: c.2650+3G>T (NM_001281493.2, NM_001281494.2); c.3166+3G>T (NM_001281492.2).
Identifiers: ClinVar variation 383555 (VCV000383555.8), dbSNP rs1057521667, ClinGen allele CA16604333.

ClinVar aggregate classification (germline): Conflicting classifications of pathogenicity. Review status: criteria provided, conflicting classifications (1 of 4 stars). 4 submissions from 4 submitters: Uncertain significance (3); Likely benign (1). Last evaluated 2025-06-20.

Conditions:
Hereditary nonpolyposis colorectal neoplasms. Identifiers: MedGen C0009405, MeSH D003123.
Hereditary cancer-predisposing syndrome. Also called: Hereditary Cancer Syndrome; Hereditary neoplastic syndrome; Neoplastic Syndromes, Hereditary; Tumor predisposition. Identifiers: Orphanet 140162, MedGen C0027672, MeSH D009386, MONDO:0015356.

Allele frequency attached by ClinVar (database versions not stated): gnomAD exomes below 0.00001; TOPMed below 0.00001; gnomAD 0.00001.
gnomAD v4.1: 3 of 1,601,870 alleles (0.00019%); highest among the groups gnomAD compares: African/African-American, 0.004%; no homozygotes.

Submissions (4):

Labcorp Genetics (formerly Invitae), Labcorp
Classification: Uncertain significance for Hereditary nonpolyposis colorectal neoplasms. Last evaluated: 2025-06-20. Review status: criteria provided, single submitter. Criteria: Invitae Variant Classification Sherloc (09022015). Collection method: clinical testing. Allele origin: germline.
Comment: This sequence change falls in intron 6 of the MSH6 gene. It does not directly change the encoded amino acid sequence of the MSH6 protein. It affects a nucleotide within the consensus splice site. This variant is not present in population databases (gnomAD no frequency). This variant has not been reported in the literature in individuals affected with MSH6-related conditions. ClinVar contains an entry for this variant (Variation ID: 383555). Variants that disrupt the consensus splice site are a relatively common cause of aberrant splicing (PMID: 17576681, 9536098). Algorithms developed to predict the effect of sequence changes on RNA splicing suggest that this variant may disrupt the consensus splice site. In summary, the available evidence is currently insufficient to determine the role of this variant in disease. Therefore, it has been classified as a Variant of Uncertain Significance.

Ambry Genetics
Classification: Uncertain significance for Hereditary cancer-predisposing syndrome. Last evaluated: 2024-10-07. Review status: criteria provided, single submitter. Criteria: Ambry Variant Classification Scheme 2023. Collection method: clinical testing. Allele origin: germline.
Comment: The c.3556+3G>T intronic variant results from a G to T substitution 3 nucleotides after coding exon 6 in the MSH6 gene. This nucleotide position is well conserved in available vertebrate species. In silico splice site analysis predicts that this alteration will not have any significant effect on splicing. Based on the available evidence, the clinical significance of this variant remains unclear.

Color Diagnostics, LLC DBA Color Health
Classification: Uncertain significance for Hereditary cancer-predisposing syndrome. Last evaluated: 2019-11-01. Review status: criteria provided, single submitter. Criteria: ACMG Guidelines, 2015. Collection method: clinical testing. Allele origin: germline.
Comment: This variant causes a G>T nucleotide substitution at the +3 position of intron 6 of the MSH6 gene. Splice site prediction tools are inconclusive regarding the impact of this variant on RNA splicing. To our knowledge, functional studies have not been performed for this variant. This variant has not been reported in individuals affected with hereditary cancer in the literature. This variant has not been identified in the general population by the Genome Aggregation Database (gnomAD). The available evidence is insufficient to determine the role of this variant in disease conclusively. Therefore, this variant is classified as a Variant of Uncertain Significance.

GeneDx
Classification: Likely benign. Last evaluated: 2016-10-31. Review status: criteria provided, single submitter. Criteria: GeneDx Variant Classification (06012015). Collection method: clinical testing. Allele origin: germline. Affected: yes.
Comment: This variant is considered likely benign or benign based on one or more of the following criteria: it is a conservative change, it occurs at a poorly conserved position in the protein, it is predicted to be benign by multiple in silico algorithms, and/or has population frequency not consistent with disease.

Literature cited by the submitters: PubMed 17576681 (cited by Labcorp Genetics (formerly Invitae), Labcorp); PubMed 9536098 (cited by Labcorp Genetics (formerly Invitae), Labcorp).